The following is an entry in ClinVar:

NM_015465.5(GEMIN5):c.863C>G (p.Thr288Arg)

Gene: GEMIN5 (gem nuclear organelle associated protein 5; minus strand). Cytogenetic location: 5q33.2.
Variant type: single nucleotide variant.
Coding change: c.863C>G on transcript NM_015465.5 (MANE Select); coding-DNA position 863, C replaced by G.
Protein change: p.Thr288Arg; replaces threonine 288 with arginine.
Molecular consequence: missense variant.
Genome position (GRCh38, 1-based): chr5:154,928,578, G>C on the plus strand (C>G on the coding strand, the complement: GEMIN5 is on the minus strand). VCF-style: chr5-154928578-G-C. GRCh37 (hg19) VCF-style: chr5-154308138-G-C.
Other names: c.860C>G, p.Thr287Arg (NM_001252156.2); short protein forms T287R, T288R.
Identifiers: ClinVar variation 3901684 (VCV003901684.1).

ClinVar aggregate classification (germline): Uncertain significance (1 of 4 stars; one submission).

gnomAD v4.1: 1 of 1,613,874 alleles (0.000062%); highest among the groups gnomAD compares: Non-Finnish European, 0.000085%; no homozygotes.

Submission:

GeneDx
Classification: Uncertain significance. Last evaluated: 2024-12-05. Review status: criteria provided, single submitter. Criteria: GeneDx Variant Classification Process June 2021. Collection method: clinical testing. Allele origin: germline. Affected: yes.
Comment: Not observed at significant frequency in large population cohorts (gnomAD); In silico analysis supports that this missense variant has a deleterious effect on protein structure/function; Has not been previously published as pathogenic or benign to our knowledge